The following is an entry in ClinVar:

ClinVar aggregate classification (germline): Uncertain significance (1 of 4 stars; one submission).

Allele frequency attached by ClinVar (database versions not stated): TOPMed below 0.00001; gnomAD 0.00001; gnomAD exomes 0.00001.

Submission:

Labcorp Genetics (formerly Invitae), Labcorp
Classification: Uncertain significance. Last evaluated: 2022-06-18. Review status: criteria provided, single submitter. Criteria: Invitae Variant Classification Sherloc (09022015). Collection method: clinical testing. Allele origin: germline.
Comment: In summary, the available evidence is currently insufficient to determine the role of this variant in disease. Therefore, it has been classified as a Variant of Uncertain Significance. Algorithms developed to predict the effect of missense changes on protein structure and function (SIFT, PolyPhen-2, Align-GVGD) all suggest that this variant is likely to be tolerated. This variant has not been reported in the literature in individuals affected with ENPP1-related conditions. The frequency data for this variant in the population databases is considered unreliable, as metrics indicate poor data quality at this position in the gnomAD database. This sequence change replaces alanine, which is neutral and non-polar, with valine, which is neutral and non-polar, at codon 66 of the ENPP1 protein (p.Ala66Val).

NM_006208.3(ENPP1):c.197C>T (p.Ala66Val)

Gene: ENPP1 (ectonucleotide pyrophosphatase/phosphodiesterase 1; plus strand). Cytogenetic location: 6q23.2.
Variant type: single nucleotide variant.
Coding change: c.197C>T on transcript NM_006208.3 (MANE Select); coding-DNA position 197, C replaced by T.
Protein change: p.Ala66Val; replaces alanine 66 with valine.
Molecular consequence: missense variant.
Genome position (GRCh38, 1-based): chr6:131,808,232, C>T. VCF-style: chr6-131808232-C-T. GRCh37 (hg19) VCF-style: chr6-132129372-C-T.
Other names: short protein forms A66V.
Identifiers: ClinVar variation 1946749 (VCV001946749.5), dbSNP rs1467898706, ClinGen allele CA365662333.